The following is an entry in ClinVar:

ClinVar aggregate classification (germline): Likely pathogenic (1 of 4 stars; one submission).

Conditions:
Spermatogenic failure 17 (SPGF17). Also called: MALE INFERTILITY DUE TO OOCYTE ACTIVATION FAILURE. Identifiers: MedGen C4310666, MONDO:0014970, OMIM 617214.

gnomAD v4.1: 34 of 1,613,772 alleles (0.0021%); highest among the groups gnomAD compares: Non-Finnish European, 0.0024%; no homozygotes.

Submission:

Juno Genomics, Hangzhou Juno Genomics, Inc
Classification: Likely pathogenic for Spermatogenic failure 17. Review status: criteria provided, single submitter. Criteria: ACMG Guidelines, 2015. Collection method: clinical testing. Allele origin: germline. Affected: yes.
Comment: Absent from controls (or at extremely low frequency if recessive) in Genome Aggregation Database, Exome Sequencing Project, 1000 Genomes Project, or Exome Aggregation Consortium.;Well-established in vitro or in vivo functional studies supportive of a damaging effect on the gene or gene product.;For recessive disorders, detected in trans with a pathogenic variant.;Patient's phenotype or family history is highly specific for a disease with a single genetic etiology.

NM_033123.4(PLCZ1):c.590G>A (p.Arg197His)

Genes: PIK3C2G (phosphatidylinositol-4-phosphate 3-kinase catalytic subunit type 2 gamma; plus strand), PLCZ1 (phospholipase C zeta 1; minus strand). Cytogenetic location: 12p12.3.
Variant type: single nucleotide variant.
Coding change: c.590G>A on transcript NM_033123.4 (MANE Select); coding-DNA position 590, G replaced by A.
Protein change: p.Arg197His; replaces arginine 197 with histidine.
Molecular consequence: missense variant. On other transcripts: intron variant (1).
Genome position (GRCh38, 1-based): chr12:18,712,966, C>T on the plus strand (G>A on the coding strand, the complement: PLCZ1 is on the minus strand). VCF-style: chr12-18712966-C-T. GRCh37 (hg19) VCF-style: chr12-18865900-C-T.
Other names: c.278G>A, p.Arg93His (NM_001330774.2); c.136-7651G>A (NM_001330769.1); short protein forms R197H, R93H.
Identifiers: ClinVar variation 4796511 (VCV004796511.1).